The following is an entry in ClinVar:

NM_004787.4(SLIT2):c.1448A>G (p.Gln483Arg)

Gene: SLIT2 (slit guidance ligand 2; plus strand). Cytogenetic location: 4p15.31.
Variant type: single nucleotide variant.
Coding change: c.1448A>G on transcript NM_004787.4 (MANE Select); coding-DNA position 1448, A replaced by G.
Protein change: p.Gln483Arg; replaces glutamine 483 with arginine.
Molecular consequence: missense variant. On other transcripts: intron variant (2).
Genome position (GRCh38, 1-based): chr4:20,525,158, A>G. VCF-style: chr4-20525158-A-G. GRCh37 (hg19) VCF-style: chr4-20526781-A-G.
Other names: c.1450+981A>G (NM_001289135.3); c.1438+981A>G (NM_001289136.3); short protein forms Q483R.
Identifiers: ClinVar variation 3798647 (VCV003798647.2).

ClinVar aggregate classification (germline): Uncertain significance. Review status: criteria provided, multiple submitters, no conflicts (2 of 4 stars). 2 submissions from 2 submitters: Uncertain significance (2). Last evaluated 2025-12-30.

gnomAD v4.1: 19 of 1,609,056 alleles (0.0012%); highest among the groups gnomAD compares: Admixed American, 0.018%; no homozygotes.

Submissions (2):

Labcorp Genetics (formerly Invitae), Labcorp
Classification: Uncertain significance. Last evaluated: 2025-12-30. Review status: criteria provided, single submitter. Criteria: Invitae Variant Classification Sherloc (09022015). Collection method: clinical testing. Allele origin: germline.
Comment: This sequence change replaces glutamine, which is neutral and polar, with arginine, which is basic and polar, at codon 483 of the SLIT2 protein (p.Gln483Arg). This variant is present in population databases (rs755579697, gnomAD 0.03%). This variant has not been reported in the literature in individuals affected with SLIT2-related conditions. ClinVar contains an entry for this variant (Variation ID: 3798647). An algorithm developed to predict the effect of missense changes on protein structure and function (PolyPhen-2) suggests that this variant is likely to be disruptive. In summary, the available evidence is currently insufficient to determine the role of this variant in disease. Therefore, it has been classified as a Variant of Uncertain Significance.

Ambry Genetics
Classification: Uncertain significance. Last evaluated: 2025-02-26. Review status: criteria provided, single submitter. Criteria: Ambry Variant Classification Scheme 2023. Collection method: clinical testing. Allele origin: germline.